The following is an entry in ClinVar:

NM_001106.4(ACVR2B):c.1147C>T (p.Arg383Cys)

Gene: ACVR2B (activin A receptor type 2B; plus strand). Cytogenetic location: 3p22.2.
Variant type: single nucleotide variant.
Coding change: c.1147C>T on transcript NM_001106.4 (MANE Select); coding-DNA position 1147, C replaced by T.
Protein change: p.Arg383Cys; replaces arginine 383 with cysteine.
Molecular consequence: missense variant.
Genome position (GRCh38, 1-based): chr3:38,482,270, C>T. VCF-style: chr3-38482270-C-T. GRCh37 (hg19) VCF-style: chr3-38523761-C-T.
Other names: short protein forms R383C.
Identifiers: ClinVar variation 545541 (VCV000545541.6), dbSNP rs1559655653, ClinGen allele CA352134056.

ClinVar aggregate classification (germline): Conflicting classifications of pathogenicity. Review status: criteria provided, conflicting classifications (1 of 4 stars). 5 submissions from 5 submitters: Likely pathogenic (3); Uncertain significance (1). 1 of the submissions does not count toward it. Last evaluated 2026-01-26.

Conditions:
Heterotaxy, visceral, 4, autosomal (HTX4). Identifiers: Orphanet 450, MedGen C3151057, MONDO:0013403, OMIM 613751.

Submissions (5):

3billion
Classification: Likely pathogenic for Heterotaxy, visceral, 4, autosomal. Last evaluated: 2026-01-26. Review status: criteria provided, single submitter. Criteria: ACMG Guidelines, 2015. Collection method: clinical testing. Allele origin: germline. Affected: yes.
Comment: The variant is not observed in the gnomAD v4.1.0 dataset. Predicted Consequence/Location: Missense variant In silico tool predictions suggest damaging effect of the variant on gene or gene product [REVEL: 0.85 (>=0.6, sensitivity 0.68 and specificity 0.92); 3Cnet: 0.62 (> 0.75, sensitivity 0.96 and precision 0.92)]. The same nucleotide change resulting in the same amino acid change has been previously reported as pathogenic/likely pathogenic with strong evidence (ClinVar ID: VCV000545541). A different missense change at the same codon (p.Arg383His) has been reported to be associated with ACVR2B-related disorder (ClinVar ID: VCV001024343). Therefore, this variant is classified as Likely pathogenic according to the recommendation of ACMG/AMP guideline.

Baylor Genetics
Classification: Likely pathogenic for Heterotaxy, visceral, 4, autosomal. Last evaluated: 2022-10-14. Review status: criteria provided, single submitter. Criteria: ACMG Guidelines, 2015. Collection method: clinical testing. Allele origin: unknown.

Blueprint Genetics
Classification: Uncertain significance. Last evaluated: 2021-03-04. Review status: criteria provided, single submitter. Criteria: ACMG Guidelines, 2015. Collection method: clinical testing. Allele origin: germline.

Labcorp Genetics (formerly Invitae), Labcorp
Classification: Likely pathogenic for Heterotaxy, visceral, 4, autosomal. Last evaluated: 2020-01-01. Review status: criteria provided, single submitter. Criteria: Invitae Variant Classification Sherloc (09022015). Collection method: clinical testing. Allele origin: germline.
Comment: This sequence change replaces arginine with cysteine at codon 383 of the ACVR2B protein (p.Arg383Cys). The arginine residue is highly conserved and there is a large physicochemical difference between arginine and cysteine. This variant is not present in population databases (ExAC no frequency). This variant has been observed in individual(s) with laterality defects (PMID: 30622330). It has also been observed to segregate with disease in related individuals. ClinVar contains an entry for this variant (Variation ID: 545541). Algorithms developed to predict the effect of missense changes on protein structure and function (SIFT, PolyPhen-2, Align-GVGD) all suggest that this variant is likely to be disruptive, but these predictions have not been confirmed by published functional studies and their clinical significance is uncertain. In summary, the currently available evidence indicates that the variant is pathogenic, but additional data are needed to prove that conclusively. Therefore, this variant has been classified as Likely Pathogenic.

Lupski Lab, Baylor-Hopkins CMG, Baylor College of Medicine
Classification: Uncertain significance for Heterotaxy, visceral, 4, autosomal. Last evaluated: 2018-05-28. Review status: no assertion criteria provided. Collection method: research. Allele origin: germline. Affected: yes. Observed: 1 variant allele. Not counted in ClinVar's aggregate classification.

Literature cited by the submitters: PubMed 30622330 (cited by Labcorp Genetics (formerly Invitae), Labcorp).